The following is an entry in ClinVar:

NM_001303052.2(MYT1L):c.2396A>C (p.Gln799Pro)

Gene: MYT1L (myelin transcription factor 1 like; minus strand). Cytogenetic location: 2p25.3.
Variant type: single nucleotide variant.
Coding change: c.2396A>C on transcript NM_001303052.2 (MANE Select); coding-DNA position 2396, A replaced by C.
Protein change: p.Gln799Pro; replaces glutamine 799 with proline.
Molecular consequence: missense variant.
Genome position (GRCh38, 1-based): chr2:1,889,365, T>G on the plus strand (A>C on the coding strand, the complement: MYT1L is on the minus strand). VCF-style: chr2-1889365-T-G. GRCh37 (hg19) VCF-style: chr2-1893137-T-G.
Other names: c.2396A>C, p.Gln799Pro (NM_001329844.2, NM_001329845.1, NM_001329851.3); c.2390A>C, p.Gln797Pro (NM_001329846.3, NM_001329847.2, NM_001329848.1 and 3 more transcripts); short protein forms Q797P, Q799P.
Identifiers: ClinVar variation 1304301 (VCV001304301.3), dbSNP rs2148853100, ClinGen allele CA345710851.

ClinVar aggregate classification (germline): Uncertain significance. Review status: criteria provided, multiple submitters, no conflicts (2 of 4 stars). 2 submissions from 2 submitters: Uncertain significance (2). Last evaluated 2025-03-28.

Conditions:
Inborn genetic diseases. Identifiers: MedGen C0950123, MeSH D030342.

Submissions (2):

Ambry Genetics
Classification: Uncertain significance for Inborn genetic diseases. Last evaluated: 2025-03-28. Review status: criteria provided, single submitter. Criteria: Ambry Variant Classification Scheme 2023. Collection method: clinical testing. Allele origin: germline.

GeneDx
Classification: Uncertain significance. Last evaluated: 2020-11-20. Review status: criteria provided, single submitter. Criteria: GeneDx Variant Classification Process June 2021. Collection method: clinical testing. Allele origin: germline. Affected: yes.
Comment: Not observed in large population cohorts (Lek et al., 2016); In silico analysis supports that this missense variant has a deleterious effect on splicing; In silico analysis supports that this missense variant does not alter protein structure/function; Has not been previously published as pathogenic or benign to our knowledge